The following is an entry in ClinVar:

NM_002139.4(RBMX):c.101T>A (p.Ile34Lys)

Gene: RBMX (RNA binding motif protein X-linked; minus strand). Cytogenetic location: Xq26.3.
Variant type: single nucleotide variant.
Coding change: c.101T>A on transcript NM_002139.4 (MANE Select); coding-DNA position 101, T replaced by A.
Protein change: p.Ile34Lys; replaces isoleucine 34 with lysine.
Molecular consequence: missense variant. On other transcripts: non-coding transcript variant (2).
Genome position (GRCh38, 1-based): chrX:136,879,327, A>T on the plus strand (T>A on the coding strand, the complement: RBMX is on the minus strand). VCF-style: chrX-136879327-A-T. GRCh37 (hg19) VCF-style: chrX-135961486-A-T.
Other names: c.101T>A, p.Ile34Lys (NM_001164803.2); short protein forms I34K.
Identifiers: ClinVar variation 2637364 (VCV002637364.1), dbSNP rs2148714108, ClinGen allele CA414765327.

ClinVar aggregate classification (germline): Uncertain significance (1 of 4 stars; one submission).

Conditions:
RBMX-related disorder. Also called: RBMX-related condition.

Submission:

PreventionGenetics, part of Exact Sciences
Classification: Uncertain significance for RBMX-related condition. Last evaluated: 2022-10-24. Review status: criteria provided, single submitter. Criteria: ACMG Guidelines, 2015. Collection method: clinical testing. Allele origin: germline.
Comment: The RBMX c.101T>A variant is predicted to result in the amino acid substitution p.Ile34Lys. To our knowledge, this variant has not been reported in the literature or in a large population database, indicating this variant is rare. At this time, the clinical significance of this variant is uncertain due to the absence of conclusive functional and genetic evidence.